The following is an entry in ClinVar:

NM_005898.5(CAPRIN1):c.933G>A (p.Glu311=)

Gene: CAPRIN1 (cell cycle associated protein 1; plus strand). Cytogenetic location: 11p13.
Variant type: single nucleotide variant.
Coding change: c.933G>A on transcript NM_005898.5 (MANE Select); coding-DNA position 933, G replaced by A.
Protein change: p.Glu311=; no amino-acid change (glutamic acid 311 retained).
Molecular consequence: synonymous variant.
Genome position (GRCh38, 1-based): chr11:34,083,008, G>A. VCF-style: chr11-34083008-G-A. GRCh37 (hg19) VCF-style: chr11-34104555-G-A.
Other names: c.933G>A, p.Glu311= (NM_203364.3).
Identifiers: ClinVar variation 3389795 (VCV003389795.14).

ClinVar aggregate classification (germline): Uncertain significance (1 of 4 stars; one submission).

Submission:

CeGaT Center for Human Genetics Tuebingen
Classification: Uncertain significance. Last evaluated: 2024-10-01. Review status: criteria provided, single submitter. Criteria: CeGaT Center For Human Genetics Tuebingen Variant Classification Criteria Version 2. Collection method: clinical testing. Allele origin: germline. Affected: yes. Observed: 1 variant allele.
Comment: CAPRIN1: PM2:Supporting, BP4